The following is an entry in ClinVar:

ClinVar aggregate classification (germline): Pathogenic (1 of 4 stars; one submission).

Conditions:
Ataxia-telangiectasia syndrome (AT). Also called: ATAXIA-TELANGIECTASIA, COMPLEMENTATION GROUP A; ATAXIA-TELANGIECTASIA, FRESNO VARIANT; Ataxia-telangiectasia; Ataxia-telangiectasia, complementation group E; LOUIS-BAR SYNDROME; Cerebello-oculocutaneous telangiectasia. Identifiers: Orphanet 100, MedGen C0004135, MONDO:0008840, OMIM 208900.

Submission:

Labcorp Genetics (formerly Invitae), Labcorp
Classification: Pathogenic for Ataxia-telangiectasia syndrome. Last evaluated: 2022-02-08. Review status: criteria provided, single submitter. Criteria: Invitae Variant Classification Sherloc (09022015). Collection method: clinical testing. Allele origin: germline.
Comment: This sequence change creates a premature translational stop signal (p.Lys2811Cysfs*46) in the ATM gene. It is expected to result in an absent or disrupted protein product. Loss-of-function variants in ATM are known to be pathogenic (PMID: 23807571, 25614872). This variant is not present in population databases (gnomAD no frequency). This variant has not been reported in the literature in individuals affected with ATM-related conditions. Algorithms developed to predict the effect of missense changes on protein structure and function (SIFT, PolyPhen-2, Align-GVGD) all suggest that this variant is likely to be tolerated. For these reasons, this variant has been classified as Pathogenic.

Literature cited by the submitters: PubMed 23807571; PubMed 25614872.

NM_000051.4(ATM):c.8431_8432delinsT (p.Lys2811fs)

Genes: ATM (ATM serine/threonine kinase; plus strand), C11orf65 (chromosome 11 open reading frame 65; minus strand). Cytogenetic location: 11q22.3.
Variant type: Indel.
Coding change: c.8431_8432delinsT on transcript NM_000051.4 (MANE Select); coding-DNA positions 8431 to 8432, AA replaced by T.
Protein change: p.Lys2811fs; shifts the reading frame from lysine 2811.
Molecular consequence: frameshift variant. On other transcripts: intron variant (2).
Genome position (GRCh38, 1-based): chr11:108,345,755-108,345,756, AA replaced by T. VCF-style: chr11-108345755-AA-T. GRCh37 (hg19) VCF-style: chr11-108216482-AA-T.
Other names: c.8431_8432delinsT, p.Lys2811fs (NM_001351834.2); c.641-36685_641-36684delinsA (NM_001330368.2); c.695-10464_695-10463delinsA (NM_001351110.2); short protein forms K2811fs.
Identifiers: ClinVar variation 2094790 (VCV002094790.4), dbSNP rs2547442238, ClinGen allele CA2580083411.